The following is an entry in ClinVar:

ClinVar aggregate classification (germline): Uncertain significance (1 of 4 stars; one submission).

Submission:

Labcorp Genetics (formerly Invitae), Labcorp
Classification: Uncertain significance. Last evaluated: 2025-03-17. Review status: criteria provided, single submitter. Criteria: Invitae Variant Classification Sherloc (09022015). Collection method: clinical testing. Allele origin: germline.
Comment: This sequence change replaces serine, which is neutral and polar, with glycine, which is neutral and non-polar, at codon 325 of the LARS2 protein (p.Ser325Gly). This variant is not present in population databases (gnomAD no frequency). This variant has not been reported in the literature in individuals affected with LARS2-related conditions. ClinVar contains an entry for this variant (Variation ID: 1939182). Invitae Evidence Modeling of protein sequence and biophysical properties (such as structural, functional, and spatial information, amino acid conservation, physicochemical variation, residue mobility, and thermodynamic stability) indicates that this missense variant is not expected to disrupt LARS2 protein function with a negative predictive value of 80%. In summary, the available evidence is currently insufficient to determine the role of this variant in disease. Therefore, it has been classified as a Variant of Uncertain Significance.

NM_015340.4(LARS2):c.973A>G (p.Ser325Gly)

Gene: LARS2 (leucyl-tRNA synthetase 2, mitochondrial; plus strand). Cytogenetic location: 3p21.31.
Variant type: single nucleotide variant.
Coding change: c.973A>G on transcript NM_015340.4 (MANE Select); coding-DNA position 973, A replaced by G.
Protein change: p.Ser325Gly; replaces serine 325 with glycine.
Molecular consequence: missense variant.
Genome position (GRCh38, 1-based): chr3:45,476,582, A>G. VCF-style: chr3-45476582-A-G. GRCh37 (hg19) VCF-style: chr3-45518074-A-G.
Other names: c.973A>G, p.Ser325Gly (NM_001368263.1); short protein forms S325G.
Identifiers: ClinVar variation 1939182 (VCV001939182.5), dbSNP rs2528975367, ClinGen allele CA352423886.